The following is an entry in ClinVar:

NM_000059.4(BRCA2):c.8584C>A (p.Leu2862Ile)

Gene: BRCA2 (BRCA2 DNA repair associated; plus strand). Cytogenetic location: 13q13.1.
Variant type: single nucleotide variant.
Coding change: c.8584C>A on transcript NM_000059.4 (MANE Select); coding-DNA position 8584, C replaced by A.
Protein change: p.Leu2862Ile; replaces leucine 2862 with isoleucine.
Molecular consequence: missense variant.
Genome position (GRCh38, 1-based): chr13:32,371,052, C>A. VCF-style: chr13-32371052-C-A. GRCh37 (hg19) VCF-style: chr13-32945189-C-A.
Other names: short protein forms L2862I.
Identifiers: ClinVar variation 628654 (VCV000628654.6), dbSNP rs1131692114, ClinGen allele CA387752845.
Genomic context (GRCh38, chr13:32,371,052, plus strand): 5'-CGCAATGAAAGAGAGGAAGAAAAGGAAGCAGCAAAATATGTGGAGGCCCAACAAAAGAGA[C>A]TAGAAGCCTTATTCACTAAAATTCAGGAGGAATTTGAAGAACATGAAGGTAAAATTAGTT-3'
Protein context (NP_000050.3, residues 2852-2872): AKYVEAQQKR[Leu2862Ile]EALFTKIQEE

ClinVar aggregate classification (germline): Uncertain significance. Review status: criteria provided, multiple submitters, no conflicts (2 of 4 stars). 2 submissions from 2 submitters: Uncertain significance (2). Last evaluated 2026-09-03.

Conditions:
Hereditary cancer-predisposing syndrome. Also called: Neoplastic Syndromes, Hereditary; Hereditary Cancer Syndrome; Hereditary neoplastic syndrome; Tumor predisposition. Identifiers: Orphanet 140162, MedGen C0027672, MeSH D009386, MONDO:0015356.

gnomAD v4.1: 1 of 1,614,070 alleles (0.000062%); highest among the groups gnomAD compares: Non-Finnish European, 0.000085%; no homozygotes.

Submissions (2):

Ambry Genetics
Classification: Uncertain significance for Hereditary cancer-predisposing syndrome. Last evaluated: 2026-09-03. Review status: criteria provided, single submitter. Criteria: Ambry Variant Classification Scheme 2023. Collection method: clinical testing. Allele origin: germline.
Comment: The p.L2862I variant (also known as c.8584C>A), located in coding exon 19 of the BRCA2 gene, results from a C to A substitution at nucleotide position 8584. The leucine at codon 2862 is replaced by isoleucine, an amino acid with highly similar properties. The results from two saturation genome editing-based studies, including a haploid cell-survival assay and a humanized mouse embryonic stem cell line assay of drug response and survival, are discordant for this nucleotide substitution (Huang H et al. Nature. 2025 Feb;638(8050):528-537; Sahu S et al. Nature. 2025 Feb;638(8050):538-545).This amino acid position is well conserved in available vertebrate species. In addition, this alteration is predicted to be tolerated by in silico analysis. Based on the available evidence, the clinical significance of this variant remains unclear.

Color Diagnostics, LLC DBA Color Health
Classification: Uncertain significance for Hereditary cancer-predisposing syndrome. Last evaluated: 2023-12-04. Review status: criteria provided, single submitter. Criteria: ACMG Guidelines, 2015. Collection method: clinical testing. Allele origin: germline.
Comment: This missense variant replaces leucine with isoleucine at codon 2862 of the BRCA2 protein. Computational prediction suggests that this variant may not impact protein structure and function (internally defined REVEL score threshold <= 0.5, PMID: 27666373). To our knowledge, functional studies have not been reported for this variant. This variant has not been reported in individuals affected with BRCA2-related disorders in the literature. This variant has not been identified in the general population by the Genome Aggregation Database (gnomAD). The available evidence is insufficient to determine the role of this variant in disease conclusively. Therefore, this variant is classified as a Variant of Uncertain Significance.

Literature cited by the submitters: PubMed 39779848 (cited by Ambry Genetics); PubMed 39779857 (cited by Ambry Genetics).